The following is an entry in ClinVar:

ClinVar aggregate classification (germline): Uncertain significance (1 of 4 stars; one submission).

Conditions:
Spermatogenic failure, Y-linked, 2 (SPGFY2). Also called: AZOOSPERMIA, NONOBSTRUCTIVE, Y-LINKED; OLIGOSPERMIA, NONOBSTRUCTIVE, Y-LINKED; OLIGOZOOSPERMIA, NONOBSTRUCTIVE, Y-LINKED; SPERMATOGENIC ARREST, Y-LINKED; SPERMATOGENIC FAILURE, NONOBSTRUCTIVE, Y-LINKED. Identifiers: Orphanet 1646, MedGen C1839071, MONDO:0010767, OMIM 415000. Disease mechanism: loss of function.

Submission:

Juno Genomics, Hangzhou Juno Genomics, Inc
Classification: Uncertain significance for Spermatogenic failure, Y-linked, 2. Review status: criteria provided, single submitter. Criteria: ACMG Guidelines, 2015. Collection method: clinical testing. Allele origin: germline. Affected: yes.
Comment: Absent from controls (or at extremely low frequency if recessive) in Genome Aggregation Database, Exome Sequencing Project, 1000 Genomes Project, or Exome Aggregation Consortium.;Multiple lines of computational evidence support a deleterious effect on the gene or gene product (conservation, evolutionary, splicing impact, etc).

NM_004654.4(USP9Y):c.3842T>C (p.Val1281Ala)

Gene: USP9Y (ubiquitin specific peptidase 9 Y-linked; plus strand). Cytogenetic location: Yq11.221.
Variant type: single nucleotide variant.
Coding change: c.3842T>C on transcript NM_004654.4 (MANE Select); coding-DNA position 3842, T replaced by C.
Protein change: p.Val1281Ala; replaces valine 1281 with alanine.
Molecular consequence: missense variant.
Genome position (GRCh38, 1-based): chrY:12,793,060, T>C. VCF-style: chrY-12793060-T-C. GRCh37 (hg19) VCF-style: chrY-14904993-T-C.
Other names: short protein forms V1281A.
Identifiers: ClinVar variation 3383021 (VCV003383021.2).